The following is an entry in ClinVar:

ClinVar aggregate classification (germline): Uncertain significance (1 of 4 stars; one submission).

Allele frequency attached by ClinVar (database versions not stated): gnomAD exomes below 0.00001.

Submission:

GeneDx
Classification: Uncertain significance. Last evaluated: 2023-03-10. Review status: criteria provided, single submitter. Criteria: GeneDx Variant Classification Process June 2021. Collection method: clinical testing. Allele origin: germline. Affected: yes.
Comment: In silico analysis supports that this missense variant does not alter protein structure/function; Has not been previously published as pathogenic or benign to our knowledge

NM_032436.4(CHAMP1):c.1483G>A (p.Glu495Lys)

Gene: CHAMP1 (chromosome alignment maintaining phosphoprotein 1; plus strand). Cytogenetic location: 13q34.
Variant type: single nucleotide variant.
Coding change: c.1483G>A on transcript NM_032436.4 (MANE Select); coding-DNA position 1483, G replaced by A.
Protein change: p.Glu495Lys; replaces glutamic acid 495 with lysine.
Molecular consequence: missense variant.
Genome position (GRCh38, 1-based): chr13:114,325,325, G>A. VCF-style: chr13-114325325-G-A. GRCh37 (hg19) VCF-style: chr13-115090800-G-A.
Other names: c.1483G>A, p.Glu495Lys (NM_001164144.3, NM_001164145.3); short protein forms E495K.
Identifiers: ClinVar variation 2579364 (VCV002579364.1), dbSNP rs1555379780, ClinGen allele CA388848773.